The following is an entry in ClinVar:

ClinVar aggregate classification (germline): Likely benign. Review status: criteria provided, multiple submitters, no conflicts (2 of 4 stars). 2 submissions from 2 submitters: Likely benign (2). Last evaluated 2023-09-01.

Conditions:
Deficiency of alpha-mannosidase (MANSA). Also called: Alpha-Mannosidosis; Mannosidosis, alpha-, types I and II; LYSOSOMAL ALPHA-D-MANNOSIDASE DEFICIENCY. Identifiers: Orphanet 61, MedGen C0024748, MONDO:0009561, OMIM 248500.

Submissions (2):

CeGaT Center for Human Genetics Tuebingen
Classification: Likely benign. Last evaluated: 2023-09-01. Review status: criteria provided, single submitter. Criteria: CeGaT Center For Human Genetics Tuebingen Variant Classification Criteria Version 2. Collection method: clinical testing. Allele origin: germline. Affected: yes. Observed: 1 variant allele.
Comment: MAN2B1: PM2:Supporting, BP4, BP7

Labcorp Genetics (formerly Invitae), Labcorp
Classification: Likely benign for Deficiency of alpha-mannosidase. Last evaluated: 2023-01-07. Review status: criteria provided, single submitter. Criteria: Invitae Variant Classification Sherloc (09022015). Collection method: clinical testing. Allele origin: germline.

NM_000528.4(MAN2B1):c.2052C>T (p.Pro684=)

Gene: MAN2B1 (mannosidase alpha class 2B member 1; minus strand). Cytogenetic location: 19p13.13.
Variant type: single nucleotide variant.
Coding change: c.2052C>T on transcript NM_000528.4 (MANE Select); coding-DNA position 2052, C replaced by T.
Protein change: p.Pro684=; no amino-acid change (proline 684 retained).
Molecular consequence: synonymous variant.
Genome position (GRCh38, 1-based): chr19:12,650,217, G>A on the plus strand (C>T on the coding strand, the complement: MAN2B1 is on the minus strand). VCF-style: chr19-12650217-G-A. GRCh37 (hg19) VCF-style: chr19-12761031-G-A.
Other names: c.2049C>T, p.Pro683= (NM_001173498.2).
Identifiers: ClinVar variation 1108066 (VCV001108066.32), dbSNP rs921831751, ClinGen allele CA305463005.